The following is an entry in ClinVar:

ClinVar aggregate classification (germline): Uncertain significance. Review status: criteria provided, single submitter (1 of 4 stars). 2 submissions from 2 submitters: Uncertain significance (1). 1 of the submissions does not count toward it. Last evaluated 2024-03-14.

Conditions:
ARSL-related disorder. Also called: ARSL-related condition.

Submissions (2):

GeneDx
Classification: Uncertain significance. Last evaluated: 2024-03-14. Review status: criteria provided, single submitter. Criteria: GeneDx Variant Classification Process June 2021. Collection method: clinical testing. Allele origin: germline. Affected: yes.
Comment: Not observed at significant frequency in large population cohorts (gnomAD); In silico analysis supports that this missense variant has a deleterious effect on protein structure/function; Has not been previously published as pathogenic or benign to our knowledge

PreventionGenetics, part of Exact Sciences
Classification: Uncertain significance for ARSL-related condition. Last evaluated: 2024-01-31. Review status: no assertion criteria provided. Collection method: clinical testing. Allele origin: germline. Not counted in ClinVar's aggregate classification.
Comment: The ARSL c.139G>T variant is predicted to result in the amino acid substitution p.Asp47Tyr. To our knowledge, this variant has not been reported in the literature or in a large population database, indicating this variant is rare. A different variant affecting the same amino acid (p.Asp47Asn) was reported in one individual with brachytelephalangic chondrodysplasia punctata (Matos-Miranda. 2013. PubMed ID: 23470839). This variant could be pathogenic. At this time, the clinical significance of this variant is uncertain due to the absence of conclusive functional and genetic evidence.

NM_000047.3(ARSL):c.139G>T (p.Asp47Tyr)

Gene: ARSL (arylsulfatase L; minus strand). Cytogenetic location: Xp22.33.
Variant type: single nucleotide variant.
Coding change: c.139G>T on transcript NM_000047.3 (MANE Select); coding-DNA position 139, G replaced by T.
Protein change: p.Asp47Tyr; replaces aspartic acid 47 with tyrosine.
Molecular consequence: missense variant. On other transcripts: intron variant (1).
Genome position (GRCh38, 1-based): chrX:2,958,320, C>A on the plus strand (G>T on the coding strand, the complement: ARSL is on the minus strand). VCF-style: chrX-2958320-C-A. GRCh37 (hg19) VCF-style: chrX-2876361-C-A.
Other names: c.214G>T, p.Asp72Tyr (NM_001282628.2, NM_001369080.1); c.166G>T, p.Asp56Tyr (NM_001369079.1); c.23+2058G>T (NM_001282631.2); short protein forms D47Y, D56Y, D72Y.
Identifiers: ClinVar variation 3061290 (VCV003061290.3), dbSNP rs2518385019, ClinGen allele CA412268294.
Genomic context (GRCh38, chrX:2,958,320, plus strand): 5'-TCTCTGTCCCTTGCCTCATGGTGTTGTTGCCATAGCAGCCAATGTCCCCAATGCCAAGGT[C>A]GTCCGCCATCAGAAGAAGGATGTTCGGTCGGGAGGCGGAAATGTCGCTGGAAGCTGATGG-3'
Protein context (NP_000038.2, residues 37-57): RPNILLLMAD[Asp47Tyr]LGIGDIGCYG